The following is an entry in ClinVar:

ClinVar aggregate classification (germline): Uncertain significance (1 of 4 stars; one submission).

Allele frequency attached by ClinVar (database versions not stated): TOPMed 0.00001; gnomAD exomes below 0.00001.
gnomAD v4.1: 1 of 1,574,426 alleles (0.000064%); highest among the groups gnomAD compares: Admixed American, 0.0017%; no homozygotes.

Submission:

Labcorp Genetics (formerly Invitae), Labcorp
Classification: Uncertain significance. Last evaluated: 2022-09-01. Review status: criteria provided, single submitter. Criteria: Invitae Variant Classification Sherloc (09022015). Collection method: clinical testing. Allele origin: germline.
Comment: In summary, the available evidence is currently insufficient to determine the role of this variant in disease. Therefore, it has been classified as a Variant of Uncertain Significance. Variants that disrupt the consensus splice site are a relatively common cause of aberrant splicing (PMID: 17576681, 9536098). Algorithms developed to predict the effect of sequence changes on RNA splicing suggest that this variant may disrupt the consensus splice site. ClinVar contains an entry for this variant (Variation ID: 1414493). This variant has not been reported in the literature in individuals affected with PNPT1-related conditions. This variant is present in population databases (no rsID available, gnomAD 0.003%). This sequence change falls in intron 8 of the PNPT1 gene. It does not directly change the encoded amino acid sequence of the PNPT1 protein. It affects a nucleotide within the consensus splice site.

Literature cited by the submitters: PubMed 17576681; PubMed 9536098.

NM_033109.5(PNPT1):c.679+6T>C

Gene: PNPT1 (polyribonucleotide nucleotidyltransferase 1; minus strand). Cytogenetic location: 2p16.1.
Variant type: single nucleotide variant.
Coding change: c.679+6T>C on transcript NM_033109.5 (MANE Select); 6 bases into the intron after coding-DNA position 679, T replaced by C.
Molecular consequence: intron variant.
Genome position (GRCh38, 1-based): chr2:55,679,676, A>G on the plus strand (T>C on the coding strand, the complement: PNPT1 is on the minus strand). VCF-style: chr2-55679676-A-G. GRCh37 (hg19) VCF-style: chr2-55906811-A-G.
Identifiers: ClinVar variation 1414493 (VCV001414493.6), dbSNP rs1388719837, ClinGen allele CA532797372.
Genomic context (GRCh38, chr2:55,679,676, plus strand): 5'-TTCAGTTTAAGAAGCCAGAACTTGTAAGTAAAATCCAGAACAAATGTGGTATTTAAAACA[A>G]CTTACCAATCTGACTTTTAGGTGCTCCAGCAACCACTAAATTTAAAGTACTAGAAGACAT-3'